The following is an entry in ClinVar:

ClinVar aggregate classification (germline): Likely pathogenic (1 of 4 stars; one submission).

Submission:

GeneDx
Classification: Likely pathogenic. Last evaluated: 2016-12-12. Review status: criteria provided, single submitter. Criteria: GeneDx Variant Classification (06012015). Collection method: clinical testing. Allele origin: germline. Affected: yes.
Comment: The H182R variant in the PHIP gene has not been reported previously as a pathogenic variant, nor asa benign variant, to our knowledge. The H182R variant was not observed in approximately 6500individuals of European and African American ancestry in the NHLBI Exome Sequencing Project,indicating it is not a common benign variant in these populations. The H182R variant is aconservative amino acid substitution, which is not likely to impact secondary protein structure asthese residues share similar properties. However, this substitution occurs at a position that is conservedacross species and in silico analysis predicts this variant is probably damaging to the proteinstructure/function. The H182R variant is a strong candidate for a pathogenic variant

NM_017934.7(PHIP):c.545A>G (p.His182Arg)

Gene: PHIP (pleckstrin homology domain interacting protein; minus strand). Cytogenetic location: 6q14.1.
Variant type: single nucleotide variant.
Coding change: c.545A>G on transcript NM_017934.7 (MANE Select); coding-DNA position 545, A replaced by G.
Protein change: p.His182Arg; replaces histidine 182 with arginine.
Molecular consequence: missense variant.
Genome position (GRCh38, 1-based): chr6:79,042,898, T>C on the plus strand (A>G on the coding strand, the complement: PHIP is on the minus strand). VCF-style: chr6-79042898-T-C. GRCh37 (hg19) VCF-style: chr6-79752615-T-C.
Other names: short protein forms H182R.
Identifiers: ClinVar variation 373303 (VCV000373303.1), dbSNP rs1057518337, ClinGen allele CA16042559.
Genomic context (GRCh38, chr6:79,042,898, plus strand): 5'-CTTACAGTAAATATCCGTCTGCCAGTTCGATCAAAAGTTACACAGTACACAGATGACAAG[T>C]GTCCAAGAATTCGTTTATGCATTTTCATGTGCTGATACACTGCAGTTGGAACAAGTCGCT-3'
Protein context (NP_060404.4, residues 172-192): HMKMHKRILG[His182Arg]LSSVYCVTFD